The following is an entry in ClinVar:

ClinVar aggregate classification (germline): Uncertain significance (1 of 4 stars; one submission).

Submission:

Ambry Genetics
Classification: Uncertain significance. Last evaluated: 2021-11-02. Review status: criteria provided, single submitter. Criteria: Ambry Variant Classification Scheme 2023. Collection method: clinical testing. Allele origin: germline.
Comment: The p.N43D variant (also known as c.127A>G), located in coding exon 2 of the FAM175A gene, results from an A to G substitution at nucleotide position 127. The asparagine at codon 43 is replaced by aspartic acid, an amino acid with highly similar properties. This amino acid position is conserved. In addition, this alteration is predicted to be tolerated by in silico analysis. Since supporting evidence is limited at this time, the clinical significance of this alteration remains unclear.

NM_139076.3(ABRAXAS1):c.127A>G (p.Asn43Asp)

Gene: ABRAXAS1 (abraxas 1, BRCA1 A complex subunit; minus strand). Cytogenetic location: 4q21.23.
Variant type: single nucleotide variant.
Coding change: c.127A>G on transcript NM_139076.3 (MANE Select); coding-DNA position 127, A replaced by G.
Protein change: p.Asn43Asp; replaces asparagine 43 with aspartic acid.
Molecular consequence: missense variant. On other transcripts: 5 prime UTR variant (1).
Genome position (GRCh38, 1-based): chr4:83,482,205, T>C on the plus strand (A>G on the coding strand, the complement: ABRAXAS1 is on the minus strand). VCF-style: chr4-83482205-T-C. GRCh37 (hg19) VCF-style: chr4-84403358-T-C.
Other names: c.-134A>G (NM_001345962.2); short protein forms N43D.
Identifiers: ClinVar variation 1799798 (VCV001799798.2), dbSNP rs2529465311, ClinGen allele CA357263289.